The following is an entry in ClinVar:

ClinVar aggregate classification (germline): Pathogenic (1 of 4 stars; one submission).

Conditions:
Developmental and epileptic encephalopathy, 9 (DEE9). Also called: EPILEPSY, FEMALE-RESTRICTED, WITH MENTAL RETARDATION; PCDH19-Related X-Linked Female-Limited Epilepsy with Mental Retardation; Early infantile epileptic encephalopathy 9; JUBERG-HELLMAN SYNDROME. Identifiers: Orphanet 101039, Orphanet 2076, MedGen C1848137, MONDO:0010246, OMIM 300088. Disease mechanism: loss of function.

Submission:

Labcorp Genetics (formerly Invitae), Labcorp
Classification: Pathogenic for Developmental and epileptic encephalopathy, 9. Last evaluated: 2023-08-03. Review status: criteria provided, single submitter. Criteria: Invitae Variant Classification Sherloc (09022015). Collection method: clinical testing. Allele origin: germline.
Comment: This sequence change creates a premature translational stop signal (p.Glu632*) in the PCDH19 gene. It is expected to result in an absent or disrupted protein product. Loss-of-function variants in PCDH19 are known to be pathogenic (PMID: 21053371). This variant is not present in population databases (gnomAD no frequency). This variant has not been reported in the literature in individuals affected with PCDH19-related conditions. For these reasons, this variant has been classified as Pathogenic.

Literature cited by the submitters: PubMed 21053371.

NM_001184880.2(PCDH19):c.1894G>T (p.Glu632Ter)

Gene: PCDH19 (protocadherin 19; minus strand). Cytogenetic location: Xq22.1.
Variant type: single nucleotide variant.
Coding change: c.1894G>T on transcript NM_001184880.2 (MANE Select); coding-DNA position 1894, G replaced by T.
Protein change: p.Glu632Ter; replaces glutamic acid 632 with a stop codon.
Molecular consequence: nonsense.
Genome position (GRCh38, 1-based): chrX:100,406,704, C>A on the plus strand (G>T on the coding strand, the complement: PCDH19 is on the minus strand). VCF-style: chrX-100406704-C-A. GRCh37 (hg19) VCF-style: chrX-99661702-C-A.
Other names: c.1894G>T, p.Glu632Ter (NM_001105243.2, NM_020766.3); short protein forms E632*.
Identifiers: ClinVar variation 2749883 (VCV002749883.3), dbSNP rs2520977329, ClinGen allele CA414001738.